The following is an entry in ClinVar:

NM_030973.4(MED25):c.1831G>A (p.Ala611Thr)

Gene: MED25 (mediator complex subunit 25; plus strand). Cytogenetic location: 19q13.33.
Variant type: single nucleotide variant.
Coding change: c.1831G>A on transcript NM_030973.4 (MANE Select); coding-DNA position 1831, G replaced by A.
Protein change: p.Ala611Thr; replaces alanine 611 with threonine.
Molecular consequence: missense variant.
Genome position (GRCh38, 1-based): chr19:49,835,811, G>A. VCF-style: chr19-49835811-G-A. GRCh37 (hg19) VCF-style: chr19-50339068-G-A.
Other names: c.1831G>A (NM_030973.3); c.1831G>A, p.Ala611Thr (NM_001378355.1); short protein forms A611T.
Identifiers: ClinVar variation 1024365 (VCV001024365.10), dbSNP rs2074092949, ClinGen allele CA406920171.

ClinVar aggregate classification (germline): Uncertain significance. Review status: criteria provided, multiple submitters, no conflicts (2 of 4 stars). 2 submissions from 2 submitters: Uncertain significance (2). Last evaluated 2023-04-26.

Conditions:
Charcot-Marie-Tooth disease type 2. Also called: Charcot-Marie-Tooth type 2. Identifiers: Orphanet 64746, MedGen C0270914, MONDO:0018993.
Inborn genetic diseases. Identifiers: MedGen C0950123, MeSH D030342.

Submissions (2):

Ambry Genetics
Classification: Uncertain significance for Inborn genetic diseases. Last evaluated: 2023-04-26. Review status: criteria provided, single submitter. Criteria: Ambry Variant Classification Scheme 2023. Collection method: clinical testing. Allele origin: germline.

Labcorp Genetics (formerly Invitae), Labcorp
Classification: Uncertain significance for Charcot-Marie-Tooth disease type 2. Last evaluated: 2020-08-23. Review status: criteria provided, single submitter. Criteria: Invitae Variant Classification Sherloc (09022015). Collection method: clinical testing. Allele origin: germline.
Comment: This sequence change replaces alanine with threonine at codon 611 of the MED25 protein (p.Ala611Thr). The alanine residue is weakly conserved and there is a small physicochemical difference between alanine and threonine. This variant is not present in population databases (ExAC no frequency). This variant has not been reported in the literature in individuals with MED25-related conditions. Algorithms developed to predict the effect of missense changes on protein structure and function output the following: SIFT: "Tolerated"; PolyPhen-2: "Benign"; Align-GVGD: "Class C0". The threonine amino acid residue is found in multiple mammalian species, suggesting that this missense change does not adversely affect protein function. These predictions have not been confirmed by published functional studies and their clinical significance is uncertain. In summary, the available evidence is currently insufficient to determine the role of this variant in disease. Therefore, it has been classified as a Variant of Uncertain Significance.